The following is an entry in ClinVar:

NM_000548.5(TSC2):c.4123_4124del (p.Ser1375fs)

Gene: TSC2 (TSC complex subunit 2; plus strand). Cytogenetic location: 16p13.3.
Variant type: Microsatellite.
Coding change: c.4123_4124del on transcript NM_000548.5 (MANE Select); coding-DNA positions 4123 to 4124, 2 bases deleted (TC; older notation c.4123_4124delTC).
Protein change: p.Ser1375fs; shifts the reading frame from serine 1375.
Molecular consequence: frameshift variant.
Genome position (GRCh38, 1-based): chr16:2,084,345-2,084,346, TC deleted; deleting any 2 consecutive bases within chr16:2,084,342-2,084,346 gives the same sequence; the c. name uses the placement nearest the transcript's 3' end. VCF-style (leftmost placement, unchanged base first): chr16-2084341-CCT-C. GRCh37 (hg19) VCF-style: chr16-2134342-CCT-C.
Other names: c.3922_3923del, p.Ser1308fs (NM_001077183.3); c.4054_4055del, p.Ser1352fs (NM_001114382.3); c.3814_3815del, p.Ser1272fs (NM_001318827.2); c.3778_3779del, p.Ser1260fs (NM_001318829.2); c.3391_3392del, p.Ser1131fs (NM_001318831.2); c.3955_3956del, p.Ser1319fs (NM_001318832.2); c.3925_3926del, p.Ser1309fs (NM_001363528.2); c.3991_3992del, p.Ser1331fs (NM_001370404.1); and 1 more; short protein forms S1331fs, S1131fs, S1352fs, S1272fs, S1308fs, S1319fs, S1375fs, S1260fs.
Identifiers: ClinVar variation 49285 (VCV000049285.6), dbSNP rs137854289, ClinGen allele CA019973.

ClinVar aggregate classification (germline): Pathogenic. Review status: criteria provided, single submitter (1 of 4 stars). 2 submissions from 2 submitters: Pathogenic (1). 1 of the submissions does not count toward it. Last evaluated 2024-08-07.

Conditions:
Tuberous sclerosis syndrome (TSC). Also called: Tuberous Sclerosis Complex; Tuberous sclerosis. Identifiers: Orphanet 805, MedGen C0041341, MONDO:0001734.
Tuberous sclerosis 2 (TSC2). Identifiers: Orphanet 805, MedGen C1860707, MONDO:0013199, OMIM 613254.

Submissions (2):

Labcorp Genetics (formerly Invitae), Labcorp
Classification: Pathogenic for Tuberous sclerosis 2. Last evaluated: 2024-08-07. Review status: criteria provided, single submitter. Criteria: Invitae Variant Classification Sherloc (09022015). Collection method: clinical testing. Allele origin: germline.
Comment: This sequence change creates a premature translational stop signal (p.Ser1375Leufs*38) in the TSC2 gene. It is expected to result in an absent or disrupted protein product. Loss-of-function variants in TSC2 are known to be pathogenic (PMID: 10205261, 17304050). This variant is not present in population databases (gnomAD no frequency). This variant has not been reported in the literature in individuals affected with TSC2-related conditions. For these reasons, this variant has been classified as Pathogenic.

Tuberous sclerosis database (TSC2)
No classification provided. Condition: TSC. Review status: no classification provided. Criteria: Tuberous Sclerosis Database Assertion Criteria 2015. Collection method: curation. Allele origin: germline. Affected: yes. Not counted in ClinVar's aggregate classification.

Literature cited by the submitters: PubMed 10205261 (cited by Labcorp Genetics (formerly Invitae), Labcorp); PubMed 17304050 (cited by Labcorp Genetics (formerly Invitae), Labcorp).